The following is an entry in ClinVar:

ClinVar aggregate classification (germline): Uncertain significance (1 of 4 stars; one submission).

Submission:

GeneDx
Classification: Uncertain significance. Last evaluated: 2024-09-19. Review status: criteria provided, single submitter. Criteria: GeneDx Variant Classification Process June 2021. Collection method: clinical testing. Allele origin: germline. Affected: yes.
Comment: Not observed at significant frequency in large population cohorts (gnomAD); In silico analysis supports that this missense variant has a deleterious effect on protein structure/function; Has not been previously published as pathogenic or benign to our knowledge

NM_001374828.1(ARID1B):c.6962C>T (p.Ala2321Val)

Gene: ARID1B (AT-rich interaction domain 1B; plus strand). Cytogenetic location: 6q25.3.
Variant type: single nucleotide variant.
Coding change: c.6962C>T on transcript NM_001374828.1 (MANE Select); coding-DNA position 6962, C replaced by T.
Protein change: p.Ala2321Val; replaces alanine 2321 with valine.
Molecular consequence: missense variant.
Genome position (GRCh38, 1-based): chr6:157,207,734, C>T. VCF-style: chr6-157207734-C-T. GRCh37 (hg19) VCF-style: chr6-157528868-C-T.
Other names: c.4463C>T, p.Ala1488Val (NM_001363725.2); c.6842C>T, p.Ala2281Val (NM_001371656.1, NM_001374820.1); c.6803C>T, p.Ala2268Val (NM_017519.3); c.6593C>T (NM_020732.3); short protein forms A1488V, A2268V, A2281V, A2321V.
Identifiers: ClinVar variation 3774165 (VCV003774165.1).